The following is an entry in ClinVar:

ClinVar aggregate classification (germline): Uncertain significance (1 of 4 stars; one submission).

Allele frequency attached by ClinVar (database versions not stated): ExAC 0.00001; gnomAD 0.00001; TOPMed 0.00003.
gnomAD v4.1: 23 of 1,607,400 alleles (0.0014%); highest among the groups gnomAD compares: Admixed American, 0.013%; no homozygotes.

Submission:

Labcorp Genetics (formerly Invitae), Labcorp
Classification: Uncertain significance. Last evaluated: 2025-03-19. Review status: criteria provided, single submitter. Criteria: Invitae Variant Classification Sherloc (09022015). Collection method: clinical testing. Allele origin: germline.
Comment: This sequence change falls in intron 43 of the FBN3 gene. It does not directly change the encoded amino acid sequence of the FBN3 protein. This variant is present in population databases (rs762445586, gnomAD 0.02%). This variant has not been reported in the literature in individuals affected with FBN3-related conditions. ClinVar contains an entry for this variant (Variation ID: 1926932). Algorithms developed to predict the effect of sequence changes on RNA splicing suggest that this variant may disrupt the consensus splice site. In summary, the available evidence is currently insufficient to determine the role of this variant in disease. Therefore, it has been classified as a Variant of Uncertain Significance.

NM_032447.5(FBN3):c.5414-7C>A

Gene: FBN3 (fibrillin 3; minus strand). Cytogenetic location: 19p13.2.
Variant type: single nucleotide variant.
Coding change: c.5414-7C>A on transcript NM_032447.5 (MANE Select); 7 bases into the intron before coding-DNA position 5414, C replaced by A.
Molecular consequence: intron variant.
Genome position (GRCh38, 1-based): chr19:8,096,576, G>T on the plus strand (C>A on the coding strand, the complement: FBN3 is on the minus strand). VCF-style: chr19-8096576-G-T. GRCh37 (hg19) VCF-style: chr19-8161460-G-T.
Other names: c.5414-7C>A (NM_001321431.2).
Identifiers: ClinVar variation 1926932 (VCV001926932.5), dbSNP rs762445586, ClinGen allele CA9151661.